The following is an entry in ClinVar:

NM_213599.3(ANO5):c.180+2T>C

Gene: ANO5 (anoctamin 5; plus strand). Cytogenetic location: 11p14.3.
Variant type: single nucleotide variant.
Coding change: c.180+2T>C on transcript NM_213599.3 (MANE Select); the canonical splice donor site of the intron after coding-DNA position 180, T replaced by C.
Molecular consequence: splice donor variant. On other transcripts: intron variant (2).
Genome position (GRCh38, 1-based): chr11:22,218,289, T>C. VCF-style: chr11-22218289-T-C. GRCh37 (hg19) VCF-style: chr11-22239835-T-C.
Other names: c.139-2808T>C (NM_001410963.1); c.177+2T>C (NM_001142649.2); c.136-2808T>C (NM_001410964.1).
Identifiers: ClinVar variation 631656 (VCV000631656.7), dbSNP rs1564918396, ClinGen allele CA379924832.

ClinVar aggregate classification (germline): Likely pathogenic (1 of 4 stars; one submission).

Conditions:
Autosomal recessive limb-girdle muscular dystrophy type 2L (LGMDR12). Also called: Limb-girdle muscular dystrophy, type 2L; MUSCULAR DYSTROPHY, LIMB-GIRDLE, AUTOSOMAL RECESSIVE 12; Limb-Girdle Muscular Dystrophy R12 Anoctamin-5-Related (LGMD-R12). Identifiers: Orphanet 206549, MedGen C1969785, MONDO:0012652, OMIM 611307.
Gnathodiaphyseal dysplasia (GDD). Also called: GNATHODIAPHYSEAL SCLEROSIS; OSTEOGENESIS IMPERFECTA WITH UNUSUAL SKELETAL LESIONS. Identifiers: Orphanet 53697, MedGen C1833736, MONDO:0008151, OMIM 166260.

gnomAD v4.1: 12 of 1,613,370 alleles (0.00074%); highest among the groups gnomAD compares: East Asian, 0.027%; no homozygotes.

Submission:

Labcorp Genetics (formerly Invitae), Labcorp
Classification: Likely pathogenic for Autosomal recessive limb-girdle muscular dystrophy type 2L; Gnathodiaphyseal dysplasia. Last evaluated: 2023-05-07. Review status: criteria provided, single submitter. Criteria: Invitae Variant Classification Sherloc (09022015). Collection method: clinical testing. Allele origin: germline.
Comment: In summary, the currently available evidence indicates that the variant is pathogenic, but additional data are needed to prove that conclusively. Therefore, this variant has been classified as Likely Pathogenic. ClinVar contains an entry for this variant (Variation ID: 631656). Disruption of this splice site has been observed in individual(s) with distal myopathy (PMID: 27066573). This variant is not present in population databases (gnomAD no frequency). This sequence change affects a donor splice site in intron 4 of the ANO5 gene. It is expected to disrupt RNA splicing. Variants that disrupt the donor or acceptor splice site typically lead to a loss of protein function (PMID: 16199547), and loss-of-function variants in ANO5 are known to be pathogenic (PMID: 21186264, 23606453, 25891276, 30919934).

Literature cited by the submitters: PubMed 27066573; PubMed 16199547; PubMed 21186264; PubMed 23606453; PubMed 25891276; PubMed 30919934.